The following is an entry in ClinVar:

ClinVar aggregate classification (germline): Uncertain significance. Review status: criteria provided, multiple submitters, no conflicts (2 of 4 stars). 2 submissions from 2 submitters: Uncertain significance (2). Last evaluated 2024-04-28.

Conditions:
Arrhythmogenic right ventricular dysplasia 13. Also called: Arrhythmogenic right ventricular dysplasia, familial, 13; ARRHYTHMOGENIC RIGHT VENTRICULAR CARDIOMYOPATHY 13. Identifiers: MedGen C3810138, MONDO:0000908, OMIM 615616.

Allele frequency attached by ClinVar (database versions not stated): gnomAD exomes below 0.00001.

Submissions (2):

Ambry Genetics
Classification: Uncertain significance. Last evaluated: 2024-04-28. Review status: criteria provided, single submitter. Criteria: Ambry Variant Classification Scheme 2023. Collection method: clinical testing. Allele origin: germline.
Comment: The p.I673F variant (also known as c.2017A>T), located in coding exon 14 of the CTNNA3 gene, results from an A to T substitution at nucleotide position 2017. The isoleucine at codon 673 is replaced by phenylalanine, an amino acid with highly similar properties. This amino acid position is conserved. In addition, the in silico prediction for this alteration is inconclusive. Based on the available evidence, the clinical significance of this variant remains unclear.

Labcorp Genetics (formerly Invitae), Labcorp
Classification: Uncertain significance for Arrhythmogenic right ventricular dysplasia 13. Last evaluated: 2023-07-07. Review status: criteria provided, single submitter. Criteria: Invitae Variant Classification Sherloc (09022015). Collection method: clinical testing. Allele origin: germline.
Comment: This sequence change replaces isoleucine, which is neutral and non-polar, with phenylalanine, which is neutral and non-polar, at codon 673 of the CTNNA3 protein (p.Ile673Phe). This variant is present in population databases (no rsID available, gnomAD 0.0009%). This variant has not been reported in the literature in individuals affected with CTNNA3-related conditions. ClinVar contains an entry for this variant (Variation ID: 1487138). Advanced modeling of protein sequence and biophysical properties (such as structural, functional, and spatial information, amino acid conservation, physicochemical variation, residue mobility, and thermodynamic stability) performed at Invitae indicates that this missense variant is expected to disrupt CTNNA3 protein function. In summary, the available evidence is currently insufficient to determine the role of this variant in disease. Therefore, it has been classified as a Variant of Uncertain Significance.

NM_013266.4(CTNNA3):c.2017A>T (p.Ile673Phe)

Gene: CTNNA3 (catenin alpha 3; minus strand). Cytogenetic location: 10q21.3.
Variant type: single nucleotide variant.
Coding change: c.2017A>T on transcript NM_013266.4 (MANE Select); coding-DNA position 2017, A replaced by T.
Protein change: p.Ile673Phe; replaces isoleucine 673 with phenylalanine.
Molecular consequence: missense variant.
Genome position (GRCh38, 1-based): chr10:66,069,450, T>A on the plus strand (A>T on the coding strand, the complement: CTNNA3 is on the minus strand). VCF-style: chr10-66069450-T-A. GRCh37 (hg19) VCF-style: chr10-67829208-T-A.
Other names: c.2017A>T, p.Ile673Phe (NM_001127384.3); c.2017A>T (NM_013266.2); short protein forms I673F.
Identifiers: ClinVar variation 1487138 (VCV001487138.9), dbSNP rs1485903436, ClinGen allele CA377089771.